The following is an entry in ClinVar:

NM_000455.5(STK11):c.863-3C>T

Gene: STK11 (serine/threonine kinase 11; plus strand). Cytogenetic location: 19p13.3.
Variant type: single nucleotide variant.
Coding change: c.863-3C>T on transcript NM_000455.5 (MANE Select); 3 bases into the intron before coding-DNA position 863, C replaced by T.
Molecular consequence: intron variant.
Genome position (GRCh38, 1-based): chr19:1,221,946, C>T. VCF-style: chr19-1221946-C-T. GRCh37 (hg19) VCF-style: chr19-1221945-C-T.
Identifiers: ClinVar variation 822617 (VCV000822617.14), dbSNP rs1599928254, ClinGen allele CA915951593.

ClinVar aggregate classification (germline): Conflicting classifications of pathogenicity. Review status: criteria provided, conflicting classifications (1 of 4 stars). 4 submissions from 4 submitters: Uncertain significance (3); Likely benign (1). Last evaluated 2025-09-03.

Conditions:
Hereditary cancer-predisposing syndrome. Also called: Hereditary Cancer Syndrome; Neoplastic Syndromes, Hereditary; Hereditary neoplastic syndrome; Tumor predisposition. Identifiers: Orphanet 140162, MedGen C0027672, MeSH D009386, MONDO:0015356.
Peutz-Jeghers syndrome (PJS). Also called: Peutz-Jeghers polyposis; Periorificial lentiginosis syndrome; POLYPOSIS, HAMARTOMATOUS INTESTINAL; POLYPS-AND-SPOTS SYNDROME. Identifiers: Orphanet 2869, MedGen C0031269, MeSH D010580, MONDO:0008280, OMIM 175200.

Allele frequency attached by ClinVar (database versions not stated): TOPMed below 0.00001.

Submissions (4):

Labcorp Genetics (formerly Invitae), Labcorp
Classification: Likely benign for Peutz-Jeghers syndrome. Last evaluated: 2025-09-03. Review status: criteria provided, single submitter. Criteria: Invitae Variant Classification Sherloc (09022015). Collection method: clinical testing. Allele origin: germline.

Ambry Genetics
Classification: Uncertain significance for Hereditary cancer-predisposing syndrome. Last evaluated: 2023-07-27. Review status: criteria provided, single submitter. Criteria: Ambry Variant Classification Scheme 2023. Collection method: clinical testing. Allele origin: germline.
Comment: The c.863-3C>T intronic variant results from a C to T substitution 3 nucleotides upstream from coding exon 7 in the STK11 gene. This nucleotide position is highly conserved in available vertebrate species. In silico splice site analysis predicts that this alteration will not have any significant effect on splicing; however, direct evidence is insufficient at this time (Ambry internal data). Since supporting evidence is limited at this time, the clinical significance of this alteration remains unclear.

Genome-Nilou Lab
Classification: Uncertain significance for Peutz-Jeghers syndrome. Last evaluated: 2021-07-15. Review status: criteria provided, single submitter. Criteria: ACMG Guidelines, 2015. Collection method: clinical testing. Allele origin: germline. Affected: no.

Color Diagnostics, LLC DBA Color Health
Classification: Uncertain significance for Hereditary cancer-predisposing syndrome. Last evaluated: 2019-06-19. Review status: criteria provided, single submitter. Criteria: ACMG Guidelines, 2015. Collection method: clinical testing. Allele origin: germline.